The following is an entry in ClinVar:

ClinVar aggregate classification (germline): Conflicting classifications of pathogenicity. Review status: criteria provided, conflicting classifications (1 of 4 stars). 2 submissions from 2 submitters: Likely pathogenic (1); Uncertain significance (1). Last evaluated 2023-02-23.

Conditions:
Ataxia-telangiectasia-like disorder (ATLD). Identifiers: MedGen C1858391, MONDO:0011457.
Hereditary cancer-predisposing syndrome. Also called: Hereditary Cancer Syndrome; Neoplastic Syndromes, Hereditary; Hereditary neoplastic syndrome; Tumor predisposition. Identifiers: Orphanet 140162, MedGen C0027672, MeSH D009386, MONDO:0015356.

Allele frequency attached by ClinVar (database versions not stated): ExAC 0.00003.
gnomAD v4.1: 10 of 1,610,552 alleles (0.00062%); highest among the groups gnomAD compares: Non-Finnish European, 0.00085%; no homozygotes.

Submissions (2):

Ambry Genetics
Classification: Likely pathogenic for Hereditary cancer-predisposing syndrome. Last evaluated: 2023-02-23. Review status: criteria provided, single submitter. Criteria: Ambry Variant Classification Scheme 2023. Collection method: clinical testing. Allele origin: germline.
Comment: The c.402G>C variant (also known as p.G134G), located in coding exon 4 of the MRE11A gene, results from a G to C substitution at nucleotide position 402. This nucleotide substitution does not change the amino acid at codon 134. However, this change occurs in the last base pair of coding exon 4, which makes it likely to have some effect on normal mRNA splicing. This nucleotide position is highly conserved in available vertebrate species. In silico splice site analysis predicts that this alteration will weaken the native splice donor site. RNA studies have demonstrated that this alteration results in abnormal splicing in the set of samples tested (Ambry internal data). Based on the majority of available evidence to date, this variant is likely to be pathogenic.

Labcorp Genetics (formerly Invitae), Labcorp
Classification: Uncertain significance for Ataxia-telangiectasia-like disorder. Last evaluated: 2022-09-01. Review status: criteria provided, single submitter. Criteria: Invitae Variant Classification Sherloc (09022015). Collection method: clinical testing. Allele origin: germline.
Comment: This sequence change affects codon 134 of the MRE11 mRNA. It is a 'silent' change, meaning that it does not change the encoded amino acid sequence of the MRE11 protein. This variant also falls at the last nucleotide of exon 5, which is part of the consensus splice site for this exon. This variant is present in population databases (rs587782669, gnomAD 0.003%). This variant has not been reported in the literature in individuals affected with MRE11-related conditions. ClinVar contains an entry for this variant (Variation ID: 142719). Variants that disrupt the consensus splice site are a relatively common cause of aberrant splicing (PMID: 17576681, 9536098). Algorithms developed to predict the effect of sequence changes on RNA splicing suggest that this variant may disrupt the consensus splice site. In summary, the available evidence is currently insufficient to determine the role of this variant in disease. Therefore, it has been classified as a Variant of Uncertain Significance.

Literature cited by the submitters: PubMed 17576681 (cited by Labcorp Genetics (formerly Invitae), Labcorp); PubMed 9536098 (cited by Labcorp Genetics (formerly Invitae), Labcorp).

NM_005591.4(MRE11):c.402G>C (p.Gly134=)

Gene: MRE11 (MRE11 double strand break repair nuclease; minus strand). Cytogenetic location: 11q21.
Variant type: single nucleotide variant.
Coding change: c.402G>C on transcript NM_005591.4 (MANE Select); coding-DNA position 402, G replaced by C.
Protein change: p.Gly134=; no amino-acid change (glycine 134 retained).
Molecular consequence: synonymous variant.
Genome position (GRCh38, 1-based): chr11:94,479,674, C>G on the plus strand (G>C on the coding strand, the complement: MRE11 is on the minus strand). VCF-style: chr11-94479674-C-G. GRCh37 (hg19) VCF-style: chr11-94212840-C-G.
Other names: c.402G>C, p.Gly134= (NM_001330347.2, NM_005590.4).
Identifiers: ClinVar variation 142719 (VCV000142719.10), dbSNP rs587782669, ClinGen allele CA169241.